The following is an entry in ClinVar:

NM_152419.3(HGSNAT):c.1127C>A (p.Ser376Ter)

Gene: HGSNAT (heparan-alpha-glucosaminide N-acetyltransferase; plus strand). Cytogenetic location: 8p11.21.
Variant type: single nucleotide variant.
Coding change: c.1127C>A on transcript NM_152419.3 (MANE Select); coding-DNA position 1127, C replaced by A.
Protein change: p.Ser376Ter; replaces serine 376 with a stop codon.
Molecular consequence: nonsense.
Genome position (GRCh38, 1-based): chr8:43,182,259, C>A. VCF-style: chr8-43182259-C-A. GRCh37 (hg19) VCF-style: chr8-43037402-C-A.
Other names: c.1127C>A, p.Ser376Ter (NM_001363227.2); c.935C>A, p.Ser312Ter (NM_001363228.2); c.263C>A, p.Ser88Ter (NM_001363229.2); short protein forms S312*, S376*, S88*.
Identifiers: ClinVar variation 4881394 (VCV004881394.2).

ClinVar aggregate classification (germline): Likely pathogenic (1 of 4 stars; one submission).

Conditions:
Retinitis pigmentosa 73 (RP73). Identifiers: Orphanet 791, MedGen C4225287, MONDO:0014687, OMIM 616544.

Submission:

Dasa
Classification: Likely pathogenic for Retinitis pigmentosa 73. Last evaluated: 2025-09-16. Review status: criteria provided, single submitter. Criteria: DASA Assertion Criteria. Collection method: clinical testing. Allele origin: germline.
Comment: NM_152419.3(HGSNAT):c.1127C>A (p.Ser376*) is a nonsense variant in HGSNAT predicted to introduce a premature termination codon and is predicted to result in an absent or altered protein product. Loss of function is an established disease mechanism for HGSNAT-associated disorders. Also, this variant is absent from population databases. Based on the currently available evidence, this variant is classified as likely pathogenic.